The following is an entry in ClinVar:

NM_000059.4(BRCA2):c.9061G>A (p.Glu3021Lys)

Gene: BRCA2 (BRCA2 DNA repair associated; plus strand). Cytogenetic location: 13q13.1.
Variant type: single nucleotide variant.
Coding change: c.9061G>A on transcript NM_000059.4 (MANE Select); coding-DNA position 9061, G replaced by A.
Protein change: p.Glu3021Lys; replaces glutamic acid 3021 with lysine.
Molecular consequence: missense variant.
Genome position (GRCh38, 1-based): chr13:32,379,857, G>A. VCF-style: chr13-32379857-G-A. GRCh37 (hg19) VCF-style: chr13-32953994-G-A.
Other names: short protein forms E3021K.
Identifiers: ClinVar variation 632693 (VCV000632693.3), dbSNP rs1182648647, ClinGen allele CA387757563.

ClinVar aggregate classification (germline): Conflicting classifications of pathogenicity. Review status: criteria provided, conflicting classifications (1 of 4 stars). 2 submissions from 2 submitters: Uncertain significance (1); Likely benign (1). Last evaluated 2025-10-28.

Conditions:
Hereditary cancer-predisposing syndrome. Also called: Tumor predisposition; Neoplastic Syndromes, Hereditary; Hereditary neoplastic syndrome; Hereditary Cancer Syndrome. Identifiers: Orphanet 140162, MedGen C0027672, MeSH D009386, MONDO:0015356.

Allele frequency attached by ClinVar (database versions not stated): gnomAD exomes below 0.00001.
gnomAD v4.1: 1 of 1,613,802 alleles (0.000062%); highest among the groups gnomAD compares: Non-Finnish European, 0.000085%; no homozygotes.

Submissions (2):

Ambry Genetics
Classification: Likely benign for Hereditary cancer-predisposing syndrome. Last evaluated: 2025-10-28. Review status: criteria provided, single submitter. Criteria: Ambry Variant Classification Scheme 2023. Collection method: clinical testing. Allele origin: germline.

Women's Health and Genetics/Laboratory Corporation of America, LabCorp
Classification: Uncertain significance. Last evaluated: 2020-10-05. Review status: criteria provided, single submitter. Criteria: LabCorp Variant Classification Summary - May 2015. Collection method: clinical testing. Allele origin: germline.
Comment: Variant summary: BRCA2 c.9061G>A (p.Glu3021Lys) results in a conservative amino acid change in the encoded protein sequence. Four of five in-silico tools predict a benign effect of the variant on protein function. The variant allele was found at a frequency of 4e-06 in 250312 control chromosomes (gnomAD). The available data on variant occurrences in the general population are insufficient to allow any conclusion about variant significance. To our knowledge, no occurrence of c.9061G>A in individuals affected with Hereditary Breast And Ovarian Cancer Syndrome and no experimental evidence demonstrating its impact on protein function have been reported. No clinical diagnostic laboratories have submitted clinical-significance assessments for this variant to ClinVar after 2014. Based on the evidence outlined above, the variant was classified as uncertain significance.